The following is an entry in ClinVar:

ClinVar aggregate classification (germline): Uncertain significance (1 of 4 stars; one submission).

Conditions:
Joubert syndrome. Also called: JOUBERT-BOLTSHAUSER SYNDROME; Familial aplasia of the vermis. Identifiers: Orphanet 475, MedGen C5979921, MONDO:0018772.
Meckel-Gruber syndrome. Also called: DYSENCEPHALIA SPLANCHNOCYSTICA; GRUBER SYNDROME; Dysencephalia splachnocystica. Identifiers: Orphanet 564, MedGen C0265215, MONDO:0018921.

Submission:

Labcorp Genetics (formerly Invitae), Labcorp
Classification: Uncertain significance for Joubert syndrome; Meckel-Gruber syndrome. Last evaluated: 2022-07-08. Review status: criteria provided, single submitter. Criteria: Invitae Variant Classification Sherloc (09022015). Collection method: clinical testing. Allele origin: germline.
Comment: In summary, the available evidence is currently insufficient to determine the role of this variant in disease. Therefore, it has been classified as a Variant of Uncertain Significance. Variants that disrupt the consensus splice site are a relatively common cause of aberrant splicing (PMID: 17576681, 9536098). Algorithms developed to predict the effect of sequence changes on RNA splicing suggest that this variant is not likely to affect RNA splicing. This variant has not been reported in the literature in individuals affected with CC2D2A-related conditions. This variant is not present in population databases (gnomAD no frequency). This sequence change falls in intron 19 of the CC2D2A gene. It does not directly change the encoded amino acid sequence of the CC2D2A protein. It affects a nucleotide within the consensus splice site.

Literature cited by the submitters: PubMed 17576681; PubMed 9536098.

NM_001378615.1(CC2D2A):c.2338+4T>C

Genes: CC2D2A (coiled-coil and C2 domain containing 2A; plus strand), FBXL5 (F-box and leucine rich repeat protein 5; minus strand). Cytogenetic location: 4p15.32.
Variant type: single nucleotide variant.
Coding change: c.2338+4T>C on transcript NM_001378615.1 (MANE Select); 4 bases into the intron after coding-DNA position 2338, T replaced by C.
Molecular consequence: intron variant.
Genome position (GRCh38, 1-based): chr4:15,550,984, T>C. VCF-style: chr4-15550984-T-C. GRCh37 (hg19) VCF-style: chr4-15552607-T-C.
Other names: c.2338+4T>C (NM_001080522.2); c.2191+4T>C (NM_001378617.1).
Identifiers: ClinVar variation 2015032 (VCV002015032.4), dbSNP rs2475019908, ClinGen allele CA2580070908.